The following is an entry in ClinVar:

NM_020884.7(MYH7B):c.1239C>A (p.Tyr413Ter)

Gene: MYH7B (myosin heavy chain 7B; plus strand). Cytogenetic location: 20q11.22.
Variant type: single nucleotide variant.
Coding change: c.1239C>A on transcript NM_020884.7 (MANE Select); coding-DNA position 1239, C replaced by A.
Protein change: p.Tyr413Ter; replaces tyrosine 413 with a stop codon.
Molecular consequence: nonsense.
Genome position (GRCh38, 1-based): chr20:34,987,648, C>A. VCF-style: chr20-34987648-C-A. GRCh37 (hg19) VCF-style: chr20-33575451-C-A.
Other names: c.1365C>A (NM_020884.4); short protein forms Y413*.
Identifiers: ClinVar variation 2904287 (VCV002904287.4), dbSNP rs754743371, ClinGen allele CA9826866.
Genomic context (GRCh38, chr20:34,987,648, plus strand): 5'-CAGCAGTGGGGACCTCCTCAAAGGCCTTTTGCACCCCCGGGTGCGTGTAGGGAACGAGTA[C>A]GTGACCAAGGGCCAGAGTGTGGAGCAGGTGAGCTGCCTGCAGGCCAAACCCATGGGGGAC-3'

ClinVar aggregate classification (germline): Uncertain significance. Review status: criteria provided, multiple submitters, no conflicts (2 of 4 stars). 2 submissions from 2 submitters: Uncertain significance (2). Last evaluated 2025-02-27.

Conditions:
MYH7B-related disorder. Also called: MYH7B-related condition.

gnomAD v4.1: 200 of 1,613,482 alleles (0.012%); highest among the groups gnomAD compares: Non-Finnish European, 0.017%; no homozygotes.

Submissions (2):

PreventionGenetics, part of Exact Sciences
Classification: Uncertain significance for MYH7B-related condition. Last evaluated: 2025-02-27. Review status: criteria provided, single submitter. Criteria: ACMG Guidelines, 2015. Collection method: clinical testing. Allele origin: germline.
Comment: The MYH7B c.1365C>A variant is predicted to result in premature protein termination (p.Tyr455*). To our knowledge, this variant has not been reported in the literature. This variant is reported in 0.0055% of alleles in individuals of European (Non-Finnish) descent in gnomAD. At this time, the clinical significance of this variant is uncertain due to the absence of conclusive functional and genetic evidence.

Labcorp Genetics (formerly Invitae), Labcorp
Classification: Uncertain significance. Last evaluated: 2022-10-29. Review status: criteria provided, single submitter. Criteria: Invitae Variant Classification Sherloc (09022015). Collection method: clinical testing. Allele origin: germline.
Comment: This sequence change creates a premature translational stop signal (p.Tyr455*) in the MYH7B gene. It is expected to result in an absent or disrupted protein product. However, the current clinical and genetic evidence is not sufficient to establish whether loss-of-function variants in MYH7B cause disease. This variant is present in population databases (rs754743371, gnomAD 0.006%). This variant has not been reported in the literature in individuals affected with MYH7B-related conditions. Algorithms developed to predict the effect of sequence changes on RNA splicing suggest that this variant may disrupt the consensus splice site. In summary, the available evidence is currently insufficient to determine the role of this variant in disease. Therefore, it has been classified as a Variant of Uncertain Significance.